The following is an entry in ClinVar:

NM_015047.3(EMC1):c.1843G>A (p.Ala615Thr)

Genes: EMC1 (ER membrane protein complex subunit 1; minus strand), EMC1-AS1 (EMC1 antisense RNA 1; plus strand). Cytogenetic location: 1p36.13.
Variant type: single nucleotide variant.
Coding change: c.1843G>A on transcript NM_015047.3 (MANE Select); coding-DNA position 1843, G replaced by A.
Protein change: p.Ala615Thr; replaces alanine 615 with threonine.
Molecular consequence: missense variant.
Genome position (GRCh38, 1-based): chr1:19,231,362, C>T on the plus strand (G>A on the coding strand, the complement: EMC1 is on the minus strand). VCF-style: chr1-19231362-C-T. GRCh37 (hg19) VCF-style: chr1-19557856-C-T.
Other names: c.1840G>A, p.Ala614Thr (NM_001271427.2, NM_001271428.2); c.1777G>A, p.Ala593Thr (NM_001271429.2); c.1852G>A, p.Ala618Thr (NM_001375820.1); c.1849G>A, p.Ala617Thr (NM_001375821.1); short protein forms A593T, A614T, A615T, A617T, A618T.
Identifiers: ClinVar variation 1058343 (VCV001058343.9), dbSNP rs977485140, ClinGen allele CA18815144.
Genomic context (GRCh38, chr1:19,231,362, plus strand): 5'-CTTGATCCATGACTGGGAGAAGCAAGGACTGCAAGATGGGGCGCTTCAGCACTGGGGGAG[C>T]TACCTGACTCCACTTCCCAAAAATGGGATTGAAGACATACAGAGAACTCATTCCCGACTC-3'
Protein context (NP_055862.1, residues 605-625): NPIFGKWSQV[Ala615Thr]PPVLKRPILQ

ClinVar aggregate classification (germline): Uncertain significance (1 of 4 stars; one submission).

Submission:

Labcorp Genetics (formerly Invitae), Labcorp
Classification: Uncertain significance. Last evaluated: 2020-03-11. Review status: criteria provided, single submitter. Criteria: Invitae Variant Classification Sherloc (09022015). Collection method: clinical testing. Allele origin: germline.
Comment: In summary, the available evidence is currently insufficient to determine the role of this variant in disease. Therefore, it has been classified as a Variant of Uncertain Significance. This sequence change replaces alanine with threonine at codon 615 of the EMC1 protein (p.Ala615Thr). The alanine residue is moderately conserved and there is a small physicochemical difference between alanine and threonine. This variant is not present in population databases (ExAC no frequency). This variant has not been reported in the literature in individuals with EMC1-related conditions. Algorithms developed to predict the effect of missense changes on protein structure and function (SIFT, PolyPhen-2, Align-GVGD) all suggest that this variant is likely to be tolerated, but these predictions have not been confirmed by published functional studies and their clinical significance is uncertain. Algorithms developed to predict the effect of sequence changes on RNA splicing suggest that this variant may create or strengthen a splice site, but this prediction has not been confirmed by published transcriptional studies.